The following is an entry in ClinVar:

ClinVar aggregate classification (germline): Uncertain significance (1 of 4 stars; one submission).

Conditions:
CHARGE syndrome (CHARGE). Also called: Hittner Hirsch Kreh syndrome; CHARGE ASSOCIATION--COLOBOMA, HEART ANOMALY, CHOANAL ATRESIA, RETARDATION, GENITAL AND EAR ANOMALIES; Coloboma, heart anomaly, choanal atresia, retardation, genital and ear anomalies; CHARGE association; Hall-Hittner syndrome. Identifiers: Orphanet 138, MedGen C0265354, MONDO:0008965.

Submission:

Labcorp Genetics (formerly Invitae), Labcorp
Classification: Uncertain significance for CHARGE syndrome. Last evaluated: 2025-10-31. Review status: criteria provided, single submitter. Criteria: Invitae Variant Classification Sherloc (09022015). Collection method: clinical testing. Allele origin: germline.
Comment: This sequence change replaces proline, which is neutral and non-polar, with serine, which is neutral and polar, at codon 535 of the SEMA3E protein (p.Pro535Ser). This variant is not present in population databases (gnomAD no frequency). This variant has not been reported in the literature in individuals affected with SEMA3E-related conditions. Invitae Evidence Modeling of protein sequence and biophysical properties (such as structural, functional, and spatial information, amino acid conservation, physicochemical variation, residue mobility, and thermodynamic stability) indicates that this missense variant is expected to disrupt SEMA3E protein function with a positive predictive value of 80%. In summary, the available evidence is currently insufficient to determine the role of this variant in disease. Therefore, it has been classified as a Variant of Uncertain Significance.

NM_012431.3(SEMA3E):c.1603C>T (p.Pro535Ser)

Gene: SEMA3E (semaphorin 3E; minus strand). Cytogenetic location: 7q21.11.
Variant type: single nucleotide variant.
Coding change: c.1603C>T on transcript NM_012431.3 (MANE Select); coding-DNA position 1603, C replaced by T.
Protein change: p.Pro535Ser; replaces proline 535 with serine.
Molecular consequence: missense variant.
Genome position (GRCh38, 1-based): chr7:83,392,619, G>A on the plus strand (C>T on the coding strand, the complement: SEMA3E is on the minus strand). VCF-style: chr7-83392619-G-A. GRCh37 (hg19) VCF-style: chr7-83021935-G-A.
Other names: c.1423C>T, p.Pro475Ser (NM_001178129.2); short protein forms P475S, P535S.
Identifiers: ClinVar variation 4803742 (VCV004803742.1).